The following is an entry in ClinVar:

ClinVar aggregate classification (germline): Conflicting classifications of pathogenicity. Review status: criteria provided, conflicting classifications (1 of 4 stars). 4 submissions from 4 submitters: Uncertain significance (1); Likely benign (3). Last evaluated 2026-04-01.

Conditions:
Ellis-van Creveld syndrome (EVC). Also called: Chondroectodermal dysplasia; MESOECTODERMAL DYSPLASIA. Identifiers: Orphanet 289, MedGen C0013903, MONDO:0009162, OMIM 225500.
Curry-Hall syndrome (WAD). Also called: WEYERS ACRODENTAL DYSOSTOSIS. Identifiers: Orphanet 952, MedGen C0457013, MONDO:0008673, OMIM 193530.

Allele frequency attached by ClinVar (database versions not stated): ExAC 0.00015; ESP Exome Variant Server 0.00024; gnomAD 0.00024 and 0.00026; gnomAD exomes 0.00026 and 0.00037; TOPMed 0.00031; 1000 Genomes Project 0.00060; 1000 Genomes Project 30x 0.00094.
gnomAD v4.1: 549 of 1,551,704 alleles (0.035%); highest among the groups gnomAD compares: Admixed American, 0.065%; 1 homozygote.

Submissions (4):

CeGaT Center for Human Genetics Tuebingen
Classification: Likely benign. Last evaluated: 2026-04-01. Review status: criteria provided, single submitter. Criteria: CeGaT Center For Human Genetics Tuebingen Variant Classification Criteria Version 2. Collection method: clinical testing. Allele origin: germline. Affected: yes. Observed: 1 variant allele.
Comment: EVC: BP4, BP7

Labcorp Genetics (formerly Invitae), Labcorp
Classification: Likely benign for Curry-Hall syndrome; Ellis-van Creveld syndrome. Last evaluated: 2026-01-25. Review status: criteria provided, single submitter. Criteria: Invitae Variant Classification Sherloc (09022015). Collection method: clinical testing. Allele origin: germline.

Blueprint Genetics
Classification: Likely benign. Last evaluated: 2024-11-26. Review status: criteria provided, single submitter. Criteria: ACMG Guidelines, 2015. Collection method: clinical testing. Allele origin: germline.

Illumina Laboratory Services, Illumina
Classification: Uncertain significance for Ellis-van Creveld syndrome. Last evaluated: 2018-01-13. Review status: criteria provided, single submitter. Criteria: ICSL Variant Classification Criteria 13 December 2019. Collection method: clinical testing. Allele origin: germline.

NM_153717.3(EVC):c.1797G>A (p.Ala599=)

Gene: EVC (EvC ciliary complex subunit 1; plus strand). Cytogenetic location: 4p16.2.
Variant type: single nucleotide variant.
Coding change: c.1797G>A on transcript NM_153717.3 (MANE Select); coding-DNA position 1797, G replaced by A.
Protein change: p.Ala599=; no amino-acid change (alanine 599 retained).
Molecular consequence: synonymous variant.
Genome position (GRCh38, 1-based): chr4:5,793,628, G>A. VCF-style: chr4-5793628-G-A. GRCh37 (hg19) VCF-style: chr4-5795355-G-A.
Other names: c.1797G>A, p.Ala599= (NM_001306090.2).
Identifiers: ClinVar variation 349186 (VCV000349186.19), dbSNP rs199875230, ClinGen allele CA2836271.